The following is an entry in ClinVar:

ClinVar aggregate classification (germline): Uncertain significance (1 of 4 stars; one submission).

Conditions:
Intellectual disability, autosomal recessive 53 (NEDHSCA). Also called: GLYCOSYLPHOSPHATIDYLINOSITOL BIOSYNTHESIS DEFECT 13; Mental retardation, autosomal recessive 53; NEURODEVELOPMENTAL DISORDER WITH OR WITHOUT HYPOTONIA, SEIZURES, AND CEREBELLAR ATROPHY. Identifiers: Orphanet 488635, MedGen C4310794, MONDO:0014832, OMIM 616917.

Allele frequency attached by ClinVar (database versions not stated): TOPMed 0.00006; ESP Exome Variant Server 0.00008.
gnomAD v4.1: 125 of 1,612,300 alleles (0.0078%); highest among the groups gnomAD compares: Middle Eastern, 0.017%; no homozygotes.

Submission:

Labcorp Genetics (formerly Invitae), Labcorp
Classification: Uncertain significance for Intellectual disability, autosomal recessive 53. Last evaluated: 2022-08-13. Review status: criteria provided, single submitter. Criteria: Invitae Variant Classification Sherloc (09022015). Collection method: clinical testing. Allele origin: germline.
Comment: This sequence change replaces threonine, which is neutral and polar, with methionine, which is neutral and non-polar, at codon 124 of the PIGG protein (p.Thr124Met). This variant is present in population databases (rs370385328, gnomAD 0.1%). This missense change has been observed in individual(s) with congenital disorder of glycosylation (PMID: 34113002). ClinVar contains an entry for this variant (Variation ID: 476347). Algorithms developed to predict the effect of missense changes on protein structure and function (SIFT, PolyPhen-2, Align-GVGD) all suggest that this variant is likely to be disruptive. In summary, the available evidence is currently insufficient to determine the role of this variant in disease. Therefore, it has been classified as a Variant of Uncertain Significance.

Literature cited by the submitters: PubMed 34113002.

NM_001127178.3(PIGG):c.371C>T (p.Thr124Met)

Gene: PIGG (phosphatidylinositol glycan anchor biosynthesis class G (EMM blood group); plus strand). Cytogenetic location: 4p16.3.
Variant type: single nucleotide variant.
Coding change: c.371C>T on transcript NM_001127178.3 (MANE Select); coding-DNA position 371, C replaced by T.
Protein change: p.Thr124Met; replaces threonine 124 with methionine.
Molecular consequence: missense variant. On other transcripts: 5 prime UTR variant (4), non-coding transcript variant (10), intron variant (1).
Genome position (GRCh38, 1-based): chr4:505,728, C>T. VCF-style: chr4-505728-C-T. GRCh37 (hg19) VCF-style: chr4-499517-C-T.
Other names: c.104C>T, p.Thr35Met (NM_001289051.2, NM_001289053.2, NM_001289057.2 and 2 more transcripts); c.5C>T, p.Thr2Met (NM_001289055.2); c.-517C>T (NM_001345988.2); c.371C>T, p.Thr124Met (NM_001345989.2, NM_017733.5); c.-1255C>T (NM_001345990.2); c.-1117C>T (NM_001345991.2); c.-842C>T (NM_001345994.2); c.361-3101C>T (NM_001289052.2); short protein forms T124M, T2M, T35M.
Identifiers: ClinVar variation 476347 (VCV000476347.4), dbSNP rs370385328, ClinGen allele CA2792988.